The following is an entry in ClinVar:

ClinVar aggregate classification (germline): Uncertain significance (1 of 4 stars; one submission).

Allele frequency attached by ClinVar (database versions not stated): gnomAD 0.00001 and 0.00003; TOPMed 0.00001; gnomAD exomes 0.00004; ExAC 0.00006; 1000 Genomes Project 30x 0.00016; 1000 Genomes Project 0.00020.
gnomAD v4.1: 27 of 1,614,070 alleles (0.0017%); highest among the groups gnomAD compares: East Asian, 0.06%; no homozygotes.

Submission:

Labcorp Genetics (formerly Invitae), Labcorp
Classification: Uncertain significance. Last evaluated: 2021-09-17. Review status: criteria provided, single submitter. Criteria: Invitae Variant Classification Sherloc (09022015). Collection method: clinical testing. Allele origin: germline.
Comment: This sequence change replaces histidine with arginine at codon 617 of the MCPH1 protein (p.His617Arg). The histidine residue is weakly conserved and there is a small physicochemical difference between histidine and arginine. This variant is present in population databases (rs201041518, ExAC 0.08%). This variant has not been reported in the literature in individuals affected with MCPH1-related conditions. Algorithms developed to predict the effect of missense changes on protein structure and function output the following: SIFT: "Not Available"; PolyPhen-2: "Benign"; Align-GVGD: "Not Available". The arginine amino acid residue is found in multiple mammalian species, which suggests that this missense change does not adversely affect protein function. In summary, the available evidence is currently insufficient to determine the role of this variant in disease. Therefore, it has been classified as a Variant of Uncertain Significance.

NM_024596.5(MCPH1):c.1850A>G (p.His617Arg)

Gene: MCPH1 (microcephalin 1; plus strand). Cytogenetic location: 8p23.1.
Variant type: single nucleotide variant.
Coding change: c.1850A>G on transcript NM_024596.5 (MANE Select); coding-DNA position 1850, A replaced by G.
Protein change: p.His617Arg; replaces histidine 617 with arginine.
Molecular consequence: missense variant.
Genome position (GRCh38, 1-based): chr8:6,455,167, A>G. VCF-style: chr8-6455167-A-G. GRCh37 (hg19) VCF-style: chr8-6312688-A-G.
Other names: c.1850A>G, p.His617Arg (NM_001322042.2, NM_001363979.1, NM_001363980.2); short protein forms H617R.
Identifiers: ClinVar variation 1505713 (VCV001505713.5), dbSNP rs201041518, ClinGen allele CA4610680.